The following is an entry in ClinVar:

ClinVar aggregate classification (germline): Benign/Likely benign. Review status: criteria provided, multiple submitters, no conflicts (2 of 4 stars). 5 submissions from 5 submitters: Benign (3); Likely benign (2). Last evaluated 2026-01-26.

Conditions:
Thrombophilia due to protein C deficiency, autosomal dominant. Also called: PROC DEFICIENCY, AUTOSOMAL DOMINANT; PROTEIN C DEFICIENCY, AUTOSOMAL DOMINANT. Identifiers: Orphanet 745, MedGen C2674321, MONDO:0008316, OMIM 176860. Disease mechanism: loss of function.

Allele frequency attached by ClinVar (database versions not stated): gnomAD 0.00024 and 0.00063; ESP Exome Variant Server 0.00031; TOPMed 0.00043; 1000 Genomes Project 30x 0.00219; 1000 Genomes Project 0.00240; ExAC 0.00259.

Submissions (5):

Labcorp Genetics (formerly Invitae), Labcorp
Classification: Benign for Thrombophilia due to protein C deficiency, autosomal dominant. Last evaluated: 2026-01-26. Review status: criteria provided, single submitter. Criteria: Invitae Variant Classification Sherloc (09022015). Collection method: clinical testing. Allele origin: germline.

Mayo Clinic Laboratories, Mayo Clinic
Classification: Benign. Last evaluated: 2025-01-15. Review status: criteria provided, single submitter. Criteria: ACMG Guidelines, 2015. Collection method: clinical testing. Allele origin: germline. Observed: 1 variant allele.
Comment: BS1, BS2, BP4, BP7

CeGaT Center for Human Genetics Tuebingen
Classification: Benign. Last evaluated: 2023-07-01. Review status: criteria provided, single submitter. Criteria: CeGaT Center For Human Genetics Tuebingen Variant Classification Criteria Version 2. Collection method: clinical testing. Allele origin: germline. Affected: yes. Observed: 1 variant allele.
Comment: PROC: BP4, BP7, BS1, BS2

Illumina Laboratory Services, Illumina
Classification: Likely benign for Thrombophilia due to protein C deficiency, autosomal dominant. Last evaluated: 2018-01-13. Review status: criteria provided, single submitter. Criteria: ICSL Variant Classification Criteria 13 December 2019. Collection method: clinical testing. Allele origin: germline.
Comment: This variant was observed in the ICSL laboratory as part of a predisposition screen in an ostensibly healthy population. It had not been previously curated by ICSL or reported in the Human Gene Mutation Database (HGMD: prior to June 1st, 2018), and was therefore a candidate for classification through an automated scoring system. Utilizing variant allele frequency, disease prevalence and penetrance estimates, and inheritance mode, an automated score was calculated to assess if this variant is too frequent to cause the disease. Based on the score and internal cut-off values, a variant classified as likely benign is not then subjected to further curation. The score for this variant resulted in a classification of likely benign for this disease.

Breakthrough Genomics
Classification: Likely benign. Review status: criteria provided, single submitter. Criteria: ACMG Guidelines, 2015. Collection method: not provided. Allele origin: germline. Inheritance: Autosomal recessive inheritance. Affected: yes.

NM_000312.4(PROC):c.1161T>C (p.Cys387=)

Gene: PROC (protein C, inactivator of coagulation factors Va and VIIIa; plus strand). Cytogenetic location: 2q14.3.
Variant type: single nucleotide variant.
Coding change: c.1161T>C on transcript NM_000312.4 (MANE Select); coding-DNA position 1161, T replaced by C.
Protein change: p.Cys387=; no amino-acid change (cysteine 387 retained).
Molecular consequence: synonymous variant.
Genome position (GRCh38, 1-based): chr2:127,428,721, T>C. VCF-style: chr2-127428721-T-C. GRCh37 (hg19) VCF-style: chr2-128186297-T-C.
Other names: p.Cys387=; c.1344T>C, p.Cys448= (NM_001375602.1); c.1326T>C, p.Cys442= (NM_001375603.1); c.1224T>C, p.Cys408= (NM_001375604.1); c.1263T>C, p.Cys421= (NM_001375605.1); c.1329T>C, p.Cys443= (NM_001375606.1); c.1347T>C, p.Cys449= (NM_001375607.1); c.1104T>C, p.Cys368= (NM_001375608.1); and 3 more.
Identifiers: ClinVar variation 331112 (VCV000331112.42), dbSNP rs148855579, ClinGen allele CA1859533.